The following is an entry in ClinVar:

ClinVar aggregate classification (germline): Pathogenic/Likely pathogenic. Review status: criteria provided, multiple submitters, no conflicts (2 of 4 stars). 12 submissions from 12 submitters: Pathogenic (6); Likely pathogenic (5). 1 of the submissions does not count toward it. Last evaluated 2026-05-06.

Conditions:
Familial intrahepatic cholestasis. Identifiers: Orphanet 284385, MedGen CN296401, MONDO:0017290.
Low phospholipid associated cholelithiasis (GBD1). Also called: Gallbladder disease 1; Gallstone cholecystitis. Identifiers: Orphanet 69663, MedGen C2609268, MONDO:0010939, OMIM 600803.
ABCB4-related disorder. Also called: ABCB4-related disorders; ABCB4-related condition.
Progressive familial intrahepatic cholestasis type 3. Also called: MDR3 DEFICIENCY; Low Gamma-GT Familial Intrahepatic Cholestasis. Identifiers: Orphanet 79305, MedGen C1865643, MONDO:0011214, OMIM 602347.
Cholestasis, intrahepatic, of pregnancy, 3. Identifiers: Orphanet 69665, MedGen C3554241, MONDO:0013995, OMIM 614972.

Allele frequency attached by ClinVar (database versions not stated): TOPMed 0.00001; ExAC 0.00002; gnomAD 0.00001; gnomAD exomes 0.00001.
gnomAD v4.1: 21 of 1,613,894 alleles (0.0013%); highest among the groups gnomAD compares: East Asian, 0.0045%; no homozygotes.

Submissions (12):

PreventionGenetics, part of Exact Sciences
Classification: Likely pathogenic for ABCB4-related condition. Last evaluated: 2026-05-06. Review status: criteria provided, single submitter. Criteria: ACMG Guidelines, 2015. Collection method: clinical testing. Allele origin: germline.
Comment: The ABCB4 c.2177C>T variant is predicted to result in the amino acid substitution p.Pro726Leu. This variant in the presence and absence of a second causative variant has been reported in patients with progressive familial intrahepatic cholestasis type 3 (PFIC3) or low-phospholipid-associated cholelithiasis (see for example Poupon et al. 2013. PubMed ID: 23533021; Delaunay et al. 2016. PubMed ID: 26474921; Elderman et al. 2015. PubMed ID: 25612754). Functional studies demonstrated that this variant resulted in near absence of phosphatidylcholine secretion (Delaunay et al. 2016. PubMed ID: 26474921). Additionally, a different substitution of the same amino acid (p.Pro726Thr) has been well documented as causative for PFIC3 (Degiorgio et al. 2007. PubMed ID: 17726488). This variant is reported in 0.0029% of alleles in individuals of Latino descent in gnomAD. In ClinVar, this variant is interpreted as likely pathogenic or pathogenic (Variation ID: 194709). This variant is interpreted as likely pathogenic.

Genomenon, Inc
Classification: Pathogenic for Familial intrahepatic cholestasis; Low phospholipid associated cholelithiasis. Last evaluated: 2026-04-14. Review status: criteria provided, single submitter. Criteria: Genomenon Sequence Variant Interpretation Standards - Updated. Collection method: curation. Allele origin: germline. Affected: yes.
Comment: ABCB4 p.Pro726Leu (c.2177C>T) is a missense variant that changes the amino acid at residue 726 from Proline to Leucine. This variant has been observed in at least one proband with an ABCB4-related disorder (PMID:37168916;34961929;32917322;29761167;28733223;23533021;26474921;25612754). The variant was found to segregate with disease in at least one affected family (PMID:29761167). At least one functional study has demonstrated a substantial alteration in protein function relative to the wild-type (PMID:28012258;26474921). It is absent or not present at a significant frequency in gnomAD. In silico models predict that this variant is possibly or probably damaging. In conclusion, we classify ABCB4 p.Pro726Leu (c.2177C>T) as a pathogenic variant.

3billion
Classification: Pathogenic for Progressive familial intrahepatic cholestasis type 3. Last evaluated: 2025-08-06. Review status: criteria provided, single submitter. Criteria: ACMG Guidelines, 2015. Collection method: clinical testing. Allele origin: germline. Affected: yes.
Comment: The variant is observed at an extremely low frequency in the gnomAD v4.1.0 dataset (total allele frequency: 0.001%). Predicted Consequence/Location: Missense variant In silico tool predictions suggest damaging effect of the variant on gene or gene product [REVEL: 0.91 (>=0.6, sensitivity 0.68 and specificity 0.92); 3Cnet: 0.99 (> 0.75, sensitivity 0.96 and precision 0.92)]. The same nucleotide change resulting in the same amino acid change has been previously reported as pathogenic/likely pathogenic with strong evidence (ClinVar ID: VCV000194709 /PMID: 20422496, 23533021 /3billion dataset). The variant has been observed in at least two similarly affected unrelated individuals (3billion dataset). A different missense change at the same codon (p.Pro726Thr) has been reported to be associated with ABCB4-related disorder (PMID: 17726488). Therefore, this variant is classified as Pathogenic according to the recommendation of ACMG/AMP guideline.

Labcorp Genetics (formerly Invitae), Labcorp
Classification: Pathogenic. Last evaluated: 2025-07-14. Review status: criteria provided, single submitter. Criteria: Invitae Variant Classification Sherloc (09022015). Collection method: clinical testing. Allele origin: germline.
Comment: This sequence change replaces proline, which is neutral and non-polar, with leucine, which is neutral and non-polar, at codon 726 of the ABCB4 protein (p.Pro726Leu). This variant is present in population databases (rs141677867, gnomAD 0.003%). This missense change has been observed in individuals with low-phospholipid-associated cholelithiasis syndrome and/or progressive familial intrahepatic cholestasis type 3 (PMID: 20422496, 23533021, 26474921, 28733223, 29761167). ClinVar contains an entry for this variant (Variation ID: 194709). Invitae Evidence Modeling of protein sequence and biophysical properties (such as structural, functional, and spatial information, amino acid conservation, physicochemical variation, residue mobility, and thermodynamic stability) indicates that this missense variant is expected to disrupt ABCB4 protein function with a positive predictive value of 80%. Experimental studies have shown that this missense change affects ABCB4 function (PMID: 26474921, 28012258). For these reasons, this variant has been classified as Pathogenic.

Fulgent Genetics
Classification: Pathogenic for Low phospholipid associated cholelithiasis; Progressive familial intrahepatic cholestasis type 3; Cholestasis, intrahepatic, of pregnancy, 3. Last evaluated: 2024-05-05. Review status: criteria provided, single submitter. Criteria: ACMG Guidelines, 2015. Collection method: clinical testing. Allele origin: germline.

Blueprint Genetics
Classification: Likely pathogenic for ABCB4-related disorders. Last evaluated: 2024-04-15. Review status: criteria provided, single submitter. Criteria: ACMG Guidelines, 2015. Collection method: clinical testing. Allele origin: germline. Affected: yes. Observed: 5 variant alleles.

GeneDx
Classification: Likely pathogenic. Last evaluated: 2023-07-06. Review status: criteria provided, single submitter. Criteria: GeneDx Variant Classification Process June 2021. Collection method: clinical testing. Allele origin: germline. Affected: yes.
Comment: Has been observed as a single heterozygous variant, as homozygous variant, or with a second ABCB4 variant in patients with abnormal liver tests, cholelithias, cholestasis and/or cholangitis (Davit- Spraul et al., 2010; Poupon et al., 2013; Lin et al., 2014; Delaunay et al., 2015; Elderman et al., 2015); Published functional studies demonstrate a damaging effect as the P726L variant abolishes phosphatidylchoine secretion (Delaunay et a;., 2015; Delaunay et al., 2017); Not observed at significant frequency in large population cohorts (gnomAD); In silico analysis supports that this missense variant has a deleterious effect on protein structure/function; This variant is associated with the following publications: (PMID: 26474921, 28012258, 20422496, 28757171, 23533021, 25612754, 31589614, 33842647, 32893960, 34961929, 32917322, 35894240, 36569137)

CeGaT Center for Human Genetics Tuebingen
Classification: Likely pathogenic. Last evaluated: 2023-04-01. Review status: criteria provided, single submitter. Criteria: CeGaT Center For Human Genetics Tuebingen Variant Classification Criteria Version 2. Collection method: clinical testing. Allele origin: germline. Affected: yes. Observed: 1 variant allele.
Comment: ABCB4: PM2, PM5, PS3:Moderate, PP4, PS4:Supporting

Rolfs Rare Disease Consulting, Rolfs Consulting Und Verwaltungs GmbH
Classification: Pathogenic for Progressive familial intrahepatic cholestasis type 3. Last evaluated: 2022-01-01. Review status: criteria provided, single submitter. Criteria: ACMG Guidelines, 2015. Collection method: clinical testing. Allele origin: germline. Affected: yes.

Victorian Clinical Genetics Services, Murdoch Childrens Research Institute
Classification: Pathogenic for Progressive familial intrahepatic cholestasis type 3. Last evaluated: 2021-05-06. Review status: criteria provided, single submitter. Criteria: ACMG Guidelines, 2015. Collection method: clinical testing. Allele origin: germline.
Comment: Based on the classification scheme VCGS_Germline_v1.3.4, this variant is classified as Pathogenic. Following criteria are met: 0102 - Loss of function is a known mechanism of disease in this gene and is associated with intrahepatic cholestasis of pregnancy 3 (ICP-3) (MIM#614972), gallbladder disease 1 (low phospholipid-associated cholelithiasis (LPAC)) (MIM# 600803) and progressive familial intrahepatic cholestasis 3 (PFIC) (MIM#602347). (I) 0108 - This gene is associated with both recessive and dominant disease. PFIC is inherited in a recessive manner, whereas ICP-3 and LPAC can be either dominant or recessive. Biallelic variants typically demonstrate less residual protein activity, resulting in earlier onset of the condition with a more severe phenotype (OMIM, PMID: 24806754, PMID: 32376413). (I) 0115 - Variants in this gene are known to have variable expressivity (PMID: 31759867). (I) 0200 - Variant is predicted to result in a missense amino acid change from proline to leucine. (I) 0251 - This variant is heterozygous. (I) 0302 - Variant is present in gnomAD (v2) <0.001 for a dominant condition (2 heterozygotes, 0 homozygotes). (SP) 0309 - An alternative amino acid change at the same position has been observed in gnomAD (v2, v3) (1 heterozygote, 0 homozygotes). (I) 0501 - Missense variant consistently predicted to be damaging by multiple in silico tools or highly conserved with a major amino acid change. (SP) 0600 - Variant is located in the annotated ABC transmembrane type-1 2 domain (Uniprot). (I) 0801 - This variant has strong previous evidence of pathogenicity in unrelated individuals. This variant has been reported as likely pathogenic (ClinVar, LOVD) and has been observed in several heterozygous and compound heterozygous individuals with low phospholipid-associated cholelithiasis (LPAC) or intrahepatic cholestasis of pregnancy (IPC) (PMID: 23533021, PMID: 32917322). Multiple homozygous individuals with progressive familial intrahepatic cholestasis (PFIC) have also been reported (PMID: 29761167, Lin H. et al. (2014)). (SP) 0901 - This variant has strong evidence for segregation with disease. This variant has been shown to segregate in three unrelated families with PFIC (PMID: 29761167, Lin H. et al. (2014)). (SP) 1102 - Strong phenotype match for this individual. (SP) 1208 - Inheritance information for this variant is not currently available in this individual. (I) Legend: (SP) - Supporting pathogenic, (I) - Information, (SB) - Supporting benign

Eurofins Ntd Llc (ga)
Classification: Likely pathogenic. Last evaluated: 2017-01-03. Review status: criteria provided, single submitter. Criteria: EGL Classification Definitions 2015. Collection method: clinical testing. Allele origin: germline. Observed: 4 variant alleles, 3 heterozygotes, 1 homozygote.

Institute of Human Genetics, Clinical Exome/Genome Diagnostics Group, University Hospital Bonn
Classification: Uncertain significance for Progressive familial intrahepatic cholestasis type 3; Cholestasis, intrahepatic, of pregnancy, 3; Low phospholipid associated cholelithiasis. Last evaluated: 2024-11-06. Review status: flagged submission. Criteria: ACMG Guidelines, 2015. Collection method: clinical testing. Allele origin: maternal. Not counted in ClinVar's aggregate classification.
ClinVar note: Reason: Outlier claim with insufficient supporting evidence

Literature cited by the submitters: PubMed 37168916 (cited by Genomenon, Inc); PubMed 34961929 (cited by Genomenon, Inc); PubMed 32917322 (cited by Genomenon, Inc and Victorian Clinical Genetics Services, Murdoch Childrens Research Institute); PubMed 29761167 (cited by 3 submitters); PubMed 28733223 (cited by Genomenon, Inc and Labcorp Genetics (formerly Invitae), Labcorp); PubMed 23533021 (cited by 4 submitters); PubMed 26474921 (cited by Genomenon, Inc and Labcorp Genetics (formerly Invitae), Labcorp); PubMed 25612754 (cited by Genomenon, Inc); PubMed 28012258 (cited by Genomenon, Inc and Labcorp Genetics (formerly Invitae), Labcorp); PubMed 17726488 (cited by 3billion); PubMed 20422496 (cited by 3 submitters); PubMed 24806754 (cited by Victorian Clinical Genetics Services, Murdoch Childrens Research Institute); PubMed 31759867 (cited by Victorian Clinical Genetics Services, Murdoch Childrens Research Institute); PubMed 32376413 (cited by Victorian Clinical Genetics Services, Murdoch Childrens Research Institute).

NM_000443.4(ABCB4):c.2177C>T (p.Pro726Leu)

Gene: ABCB4 (ATP binding cassette subfamily B member 4; minus strand). Cytogenetic location: 7q21.12.
Variant type: single nucleotide variant.
Coding change: c.2177C>T on transcript NM_000443.4 (MANE Select); coding-DNA position 2177, C replaced by T.
Protein change: p.Pro726Leu; replaces proline 726 with leucine.
Molecular consequence: missense variant.
Genome position (GRCh38, 1-based): chr7:87,423,940, G>A on the plus strand (C>T on the coding strand, the complement: ABCB4 is on the minus strand). VCF-style: chr7-87423940-G-A. GRCh37 (hg19) VCF-style: chr7-87053256-G-A.
Other names: c.2177C>T, p.Pro726Leu (NM_018849.3, NM_018850.3); c.2177C>T (NM_018849.2, NM_000443.3); short protein forms P726L.
Identifiers: ClinVar variation 194709 (VCV000194709.44), dbSNP rs141677867, ClinGen allele CA240828.
Genomic context (GRCh38, chr7:87,423,940, plus strand): 5'-CTGTTATGTGGTGTTTGCAAACTTACCGCTATGATCTCTGAGAATATGACTGAAAATGCC[G>A]GCTGAAGCCCCCCATTGGCAATGGCACATACTGTTCCCACGACAAAGTAGGGCCATTCTG-3'
Protein context (NP_000434.1, residues 716-736): VCAIANGGLQ[Pro726Leu]AFSVIFSEII